The following is an entry in ClinVar:

NM_177438.3(DICER1):c.5507C>A (p.Pro1836His)

Gene: DICER1 (dicer 1, ribonuclease III; minus strand). Cytogenetic location: 14q32.13.
Variant type: single nucleotide variant.
Coding change: c.5507C>A on transcript NM_177438.3 (MANE Select); coding-DNA position 5507, C replaced by A.
Protein change: p.Pro1836His; replaces proline 1836 with histidine.
Molecular consequence: missense variant. On other transcripts: non-coding transcript variant (6), intron variant (1).
Genome position (GRCh38, 1-based): chr14:95,091,223, G>T on the plus strand (C>A on the coding strand, the complement: DICER1 is on the minus strand). VCF-style: chr14-95091223-G-T. GRCh37 (hg19) VCF-style: chr14-95557560-G-T.
Other names: c.5507C>A, p.Pro1836His (NM_001271282.3, NM_001291628.2, NM_001395677.1 and 7 more transcripts); c.5225C>A, p.Pro1742His (NM_001395686.1); c.5102C>A, p.Pro1701His (NM_001395687.1, NM_001395688.1, NM_001395689.1 and 1 more transcripts); c.4940C>A, p.Pro1647His (NM_001395691.1); c.3824C>A, p.Pro1275His (NM_001395697.1); c.5365-114C>A (NM_001195573.1); short protein forms P1275H, P1742H, P1836H, P1647H, P1701H.
Identifiers: ClinVar variation 4824644 (VCV004824644.1).

ClinVar aggregate classification (germline): Uncertain significance (1 of 4 stars; one submission).

Conditions:
Hereditary cancer-predisposing syndrome. Also called: Neoplastic Syndromes, Hereditary; Hereditary neoplastic syndrome; Tumor predisposition; Hereditary Cancer Syndrome. Identifiers: Orphanet 140162, MedGen C0027672, MeSH D009386, MONDO:0015356.

gnomAD v4.1: 9 of 1,614,032 alleles (0.00056%); no homozygotes.

Submission:

Ambry Genetics
Classification: Uncertain significance for Hereditary cancer-predisposing syndrome. Last evaluated: 2026-02-11. Review status: criteria provided, single submitter. Criteria: Ambry Variant Classification Scheme 2023. Collection method: clinical testing. Allele origin: germline.
Comment: The p.P1836H variant (also known as c.5507C>A), located in coding exon 24 of the DICER1 gene, results from a C to A substitution at nucleotide position 5507. The proline at codon 1836 is replaced by histidine, an amino acid with similar properties. This amino acid position is highly conserved in available vertebrate species. In addition, this alteration is predicted to be deleterious by in silico analysis. Based on the available evidence, the clinical significance of this variant remains unclear.